The following is an entry in ClinVar:

ClinVar aggregate classification (germline): Uncertain significance (1 of 4 stars; one submission).

Allele frequency attached by ClinVar (database versions not stated): TOPMed below 0.00001; ExAC 0.00001; gnomAD 0.00001; 1000 Genomes Project 30x 0.00016; 1000 Genomes Project 0.00020.
gnomAD v4.1: 1 of 1,614,204 alleles (0.000062%); highest among the groups gnomAD compares: African/African-American, 0.0013%; no homozygotes.

Submission:

Women's Health and Genetics/Laboratory Corporation of America, LabCorp
Classification: Uncertain significance. Last evaluated: 2024-04-25. Review status: criteria provided, single submitter. Criteria: LabCorp Variant Classification Summary - May 2015. Collection method: clinical testing. Allele origin: germline.
Comment: Variant summary: SETD2 c.3657G>C (p.Gln1219His) results in a non-conservative amino acid change in the encoded protein sequence. Three of five in-silico tools predict a benign effect of the variant on protein function. The variant allele was found at a frequency of 4e-06 in 251344 control chromosomes. The available data on variant occurrences in the general population are insufficient to allow any conclusion about variant significance. To our knowledge, no occurrence of c.3657G>C in individuals affected with Luscan-Lumish Syndrome and no experimental evidence demonstrating its impact on protein function have been reported. No submitters have cited clinical-significance assessments for this variant to ClinVar. Based on the evidence outlined above, the variant was classified as uncertain significance.

NM_014159.7(SETD2):c.3657G>C (p.Gln1219His)

Gene: SETD2 (SET domain containing 2, histone lysine methyltransferase; minus strand). Cytogenetic location: 3p21.31.
Variant type: single nucleotide variant.
Coding change: c.3657G>C on transcript NM_014159.7 (MANE Select); coding-DNA position 3657, G replaced by C.
Protein change: p.Gln1219His; replaces glutamine 1219 with histidine.
Molecular consequence: missense variant. On other transcripts: non-coding transcript variant (1).
Genome position (GRCh38, 1-based): chr3:47,120,979, C>G on the plus strand (G>C on the coding strand, the complement: SETD2 is on the minus strand). VCF-style: chr3-47120979-C-G. GRCh37 (hg19) VCF-style: chr3-47162469-C-G.
Other names: c.3525G>C, p.Gln1175His (NM_001349370.3); short protein forms Q1175H, Q1219H.
Identifiers: ClinVar variation 3251692 (VCV003251692.1), dbSNP rs192144707.